The following is an entry in ClinVar:

ClinVar aggregate classification (germline): Uncertain significance. Review status: criteria provided, multiple submitters, no conflicts (2 of 4 stars). 2 submissions from 2 submitters: Uncertain significance (2). Last evaluated 2025-12-04.

Allele frequency attached by ClinVar (database versions not stated): TOPMed below 0.00001; gnomAD 0.00001; gnomAD exomes 0.00002 and 0.00003; ExAC 0.00003.
gnomAD v4.1: 36 of 1,611,588 alleles (0.0022%); highest among the groups gnomAD compares: Non-Finnish European, 0.0028%; no homozygotes.

Submissions (2):

Ambry Genetics
Classification: Uncertain significance. Last evaluated: 2025-12-04. Review status: criteria provided, single submitter. Criteria: Ambry Variant Classification Scheme 2023. Collection method: clinical testing. Allele origin: germline.

Labcorp Genetics (formerly Invitae), Labcorp
Classification: Uncertain significance. Last evaluated: 2021-10-11. Review status: criteria provided, single submitter. Criteria: Invitae Variant Classification Sherloc (09022015). Collection method: clinical testing. Allele origin: germline.
Comment: In summary, the available evidence is currently insufficient to determine the role of this variant in disease. Therefore, it has been classified as a Variant of Uncertain Significance. Algorithms developed to predict the effect of missense changes on protein structure and function are either unavailable or do not agree on the potential impact of this missense change (SIFT: "Deleterious"; PolyPhen-2: "Benign"; Align-GVGD: "Class C0"). This variant has not been reported in the literature in individuals affected with DNASE2-related conditions. This variant is present in population databases (rs776785731, gnomAD 0.005%). This sequence change replaces glutamic acid, a(n) acidic and polar amino acid, with glycine, a(n) neutral and non-polar amino acid, at codon 43 of the DNASE2 protein (p.Glu43Gly).

NM_001375.3(DNASE2):c.128A>G (p.Glu43Gly)

Genes: DNASE2 (deoxyribonuclease 2, lysosomal; minus strand), LOC117125588 (CRISPRi-FlowFISH-validated KLF1 regulatory element 1; plus strand). Cytogenetic location: 19p13.13.
Variant type: single nucleotide variant.
Coding change: c.128A>G on transcript NM_001375.3 (MANE Select); coding-DNA position 128, A replaced by G.
Protein change: p.Glu43Gly; replaces glutamic acid 43 with glycine.
Molecular consequence: missense variant.
Genome position (GRCh38, 1-based): chr19:12,881,111, T>C on the plus strand (A>G on the coding strand, the complement: DNASE2 is on the minus strand). VCF-style: chr19-12881111-T-C. GRCh37 (hg19) VCF-style: chr19-12991925-T-C.
Other names: c.128A>G (NM_001375.2); short protein forms E43G.
Identifiers: ClinVar variation 1516776 (VCV001516776.5), dbSNP rs776785731, ClinGen allele CA9233882.